The following is an entry in ClinVar:

ClinVar aggregate classification (germline): Uncertain significance (1 of 4 stars; one submission).

Conditions:
Parathyroid carcinoma (PRTC). Also called: Parathyroid gland carcinoma; CDC73-Related Parathyroid Carcinoma. Identifiers: Orphanet 143, MedGen C0687150, MONDO:0012004, OMIM 608266, HP:0006780.

Allele frequency attached by ClinVar (database versions not stated): gnomAD exomes below 0.00001; ExAC 0.00001; gnomAD 0.00001; 1000 Genomes Project 30x 0.00016; 1000 Genomes Project 0.00020.
gnomAD v4.1: 5 of 1,601,082 alleles (0.00031%); highest among the groups gnomAD compares: South Asian, 0.0055%; no homozygotes.

Submission:

Labcorp Genetics (formerly Invitae), Labcorp
Classification: Uncertain significance for Parathyroid carcinoma. Last evaluated: 2021-02-08. Review status: criteria provided, single submitter. Criteria: Invitae Variant Classification Sherloc (09022015). Collection method: clinical testing. Allele origin: germline.
Comment: In summary, the available evidence is currently insufficient to determine the role of this variant in disease. Therefore, it has been classified as a Variant of Uncertain Significance. Algorithms developed to predict the effect of missense changes on protein structure and function (SIFT, PolyPhen-2, Align-GVGD) all suggest that this variant is likely to be tolerated, but these predictions have not been confirmed by published functional studies and their clinical significance is uncertain. This variant has not been reported in the literature in individuals with CDC73-related conditions. This variant is present in population databases (rs540541696, ExAC 0.006%). This sequence change replaces proline with serine at codon 51 of the CDC73 protein (p.Pro51Ser). The proline residue is moderately conserved and there is a moderate physicochemical difference between proline and serine.

NM_024529.5(CDC73):c.151C>T (p.Pro51Ser)

Gene: CDC73 (cell division cycle 73; plus strand). Cytogenetic location: 1q31.2.
Variant type: single nucleotide variant.
Coding change: c.151C>T on transcript NM_024529.5 (MANE Select); coding-DNA position 151, C replaced by T.
Protein change: p.Pro51Ser; replaces proline 51 with serine.
Molecular consequence: missense variant.
Genome position (GRCh38, 1-based): chr1:193,125,131, C>T. VCF-style: chr1-193125131-C-T. GRCh37 (hg19) VCF-style: chr1-193094261-C-T.
Other names: short protein forms P51S.
Identifiers: ClinVar variation 1508492 (VCV001508492.8), dbSNP rs540541696, ClinGen allele CA1303278.
Genomic context (GRCh38, chr1:193,125,131, plus strand): 5'-TAGAATTGTCAGTAAAAAAAATCTTGCCTTAATTATTTCAGGACTGGAAAGGAAGGCCAA[C>T]CCAGAGAGTACTACACATTGGATTCCATTTTATTTCTACTTAATAACGTGCACCTTTCTC-3'
Protein context (NP_078805.3, residues 41-61): VVWGTGKEGQ[Pro51Ser]REYYTLDSIL